The following is an entry in ClinVar:

NM_001356.5(DDX3X):c.1025+25TTTTG[2]

Gene: DDX3X (DEAD-box helicase 3 X-linked; plus strand). Cytogenetic location: Xp11.4.
Variant type: Microsatellite.
Coding change: c.1025+25TTTTG[2] on transcript NM_001356.5 (MANE Select); two copies in a row of the 5-base unit TTTTG starting at c.1025+25.
Molecular consequence: intron variant.
Genome position: GRCh38 VCF-style: chrX-41344423-TTTTTGTTTTG-T. GRCh37 (hg19) VCF-style: chrX-41203676-TTTTTGTTTTG-T.
Other names: c.1025+25TTTTG[2] (NM_001193416.3); c.977+25TTTTG[2] (NM_001193417.3); c.467+25TTTTG[2] (NM_001363819.1).
Identifiers: ClinVar variation 3905436 (VCV003905436.10).

ClinVar aggregate classification (germline): Likely benign (1 of 4 stars; one submission).

Submission:

CeGaT Center for Human Genetics Tuebingen
Classification: Likely benign. Last evaluated: 2025-05-01. Review status: criteria provided, single submitter. Criteria: CeGaT Center For Human Genetics Tuebingen Variant Classification Criteria Version 2. Collection method: clinical testing. Allele origin: germline. Affected: yes. Observed: 1 variant allele.
Comment: DDX3X: BS2